The following is an entry in ClinVar:

NM_002016.2(FLG):c.125G>A (p.Arg42Gln)

Genes: CCDST (cervical cancer associated DHX9 suppressive transcript; plus strand), FLG (filaggrin; minus strand). Cytogenetic location: 1q21.3.
Variant type: single nucleotide variant.
Coding change: c.125G>A on transcript NM_002016.2 (MANE Select); coding-DNA position 125, G replaced by A.
Protein change: p.Arg42Gln; replaces arginine 42 with glutamine.
Molecular consequence: missense variant.
Genome position (GRCh38, 1-based): chr1:152,315,332, C>T on the plus strand (G>A on the coding strand, the complement: FLG is on the minus strand). VCF-style: chr1-152315332-C-T. GRCh37 (hg19) VCF-style: chr1-152287808-C-T.
Other names: short protein forms R42Q.
Identifiers: ClinVar variation 4872367 (VCV004872367.2).

ClinVar aggregate classification (germline): Uncertain significance (1 of 4 stars; one submission).

Submission:

CeGaT Center for Human Genetics Tuebingen
Classification: Uncertain significance. Last evaluated: 2026-04-01. Review status: criteria provided, single submitter. Criteria: CeGaT Center For Human Genetics Tuebingen Variant Classification Criteria Version 2. Collection method: clinical testing. Allele origin: germline. Affected: yes. Observed: 1 variant allele.
Comment: FLG: PM2, BP4